The following is an entry in ClinVar:

ClinVar aggregate classification (germline): Uncertain significance (1 of 4 stars; one submission).

Submission:

GeneDx
Classification: Uncertain significance. Last evaluated: 2022-09-28. Review status: criteria provided, single submitter. Criteria: GeneDx Variant Classification Process June 2021. Collection method: clinical testing. Allele origin: germline. Affected: yes.
Comment: Not observed at significant frequency in large population cohorts (gnomAD); In silico analysis supports that this missense variant does not alter protein structure/function; Has not been previously published as pathogenic or benign to our knowledge

NM_001162501.2(TNRC6B):c.4352C>T (p.Pro1451Leu)

Gene: TNRC6B (trinucleotide repeat containing adaptor 6B; plus strand). Cytogenetic location: 22q13.1.
Variant type: single nucleotide variant.
Coding change: c.4352C>T on transcript NM_001162501.2 (MANE Select); coding-DNA position 4352, C replaced by T.
Protein change: p.Pro1451Leu; replaces proline 1451 with leucine.
Molecular consequence: missense variant.
Genome position (GRCh38, 1-based): chr22:40,310,910, C>T. VCF-style: chr22-40310910-C-T. GRCh37 (hg19) VCF-style: chr22-40706914-C-T.
Other names: c.1940C>T, p.Pro647Leu (NM_001024843.2); c.4022C>T, p.Pro1341Leu (NM_015088.3); short protein forms P1341L, P1451L, P647L.
Identifiers: ClinVar variation 2446636 (VCV002446636.1), dbSNP rs2071169943, ClinGen allele CA411666764.
Genomic context (GRCh38, chr22:40,310,910, plus strand): 5'-GGTCACCGTACAACCAGTTTGATATCATCCCTGGTGACACACTGGGTGGCCATACGGGTC[C>T]TGCTGGTGATAGCTGGTTACCTGCCAAATCTCCACCAACAAATAAAATCGGAAGTAAATC-3'
Protein context (NP_001155973.1, residues 1441-1461): PGDTLGGHTG[Pro1451Leu]AGDSWLPAKS